The following is an entry in ClinVar:

ClinVar aggregate classification (germline): Pathogenic/Likely pathogenic. Review status: criteria provided, multiple submitters, no conflicts (2 of 4 stars). 10 submissions from 10 submitters: Pathogenic (5); Likely pathogenic (4). 1 of the submissions does not count toward it. Last evaluated 2026-07-15.

Conditions:
Glucose-6-phosphate transport defect (GSD1B). Also called: Glycogen Storage Disease Type Ib; GSD Ib. Identifiers: Orphanet 364, Orphanet 79259, MedGen C0268146, MONDO:0009288, OMIM 232220.

Allele frequency attached by ClinVar (database versions not stated): TOPMed below 0.00001; gnomAD exomes 0.00001; ExAC 0.00003.

Submissions (10):

GeneDx
Classification: Pathogenic. Last evaluated: 2026-07-15. Review status: criteria provided, single submitter. Criteria: GeneDx Variant Classification Process June 2021. Collection method: clinical testing. Allele origin: germline.
Comment: Published functional studies demonstrate a damaging effect: decreased glucose-6-phosphate and inorganic phosphate uptake activity (PMID: 12444104, 18835800); Not observed at significant frequency in large population cohorts (gnomAD); In silico analysis supports that this missense variant has a deleterious effect on protein structure/function; This variant is associated with the following publications: (PMID: 34635148, 12444104, 18835800, 35834487, 10482962, 27848944, 34989216, 38531056, Bindi2021[paper], 38818036, 40009380)

Natera, Inc.
Classification: Likely pathogenic for Glycogen storage disease type Ib. Last evaluated: 2025-11-12. Review status: criteria provided, single submitter. Criteria: Natera Variant Classification Schema (03/2026). Collection method: clinical testing. Allele origin: germline.
Comment: The c.898C>T variant in SLC37A4 is a missense variant predicted to cause substitution of arginine to cysteine at amino acid 300. This variant is rare in the general population with a frequency below the threshold expected for the associated phenotype(s). This variant has been observed in one or more individuals affected with the associated recessive disease, as either homozygous or compound heterozygous with a second variant (PMID: 27848944, 10482962, 38605407, 38531056, 40009380). Functional studies show that this variant may disrupt protein function (PMID: 12444104). Computational prediction algorithms indicate this variant is likely to affect gene or protein function. Given the available evidence, this variant is classified as Likely Pathogenic.

Labcorp Genetics (formerly Invitae), Labcorp
Classification: Likely pathogenic for Glucose-6-phosphate transport defect. Last evaluated: 2024-06-17. Review status: criteria provided, single submitter. Criteria: Invitae Variant Classification Sherloc (09022015). Collection method: clinical testing. Allele origin: germline.
Comment: This sequence change replaces arginine, which is basic and polar, with cysteine, which is neutral and slightly polar, at codon 300 of the SLC37A4 protein (p.Arg300Cys). The frequency data for this variant in the population databases is considered unreliable, as metrics indicate poor data quality at this position in the gnomAD database. This missense change has been observed in individuals with autosomal recessive glycogen storage disease (PMID: 10482962, 27848944, 35834487; Invitae). ClinVar contains an entry for this variant (Variation ID: 68293). Advanced modeling of protein sequence and biophysical properties (such as structural, functional, and spatial information, amino acid conservation, physicochemical variation, residue mobility, and thermodynamic stability) performed at Invitae indicates that this missense variant is expected to disrupt SLC37A4 protein function with a positive predictive value of 80%. Experimental studies have shown that this missense change affects SLC37A4 function (PMID: 12444104, 18835800). This variant disrupts the p.Arg300 amino acid residue in SLC37A4. Other variant(s) that disrupt this residue have been determined to be pathogenic (PMID: 9781688, 10940311, 12444104, 15906092). This suggests that this residue is clinically significant, and that variants that disrupt this residue are likely to be disease-causing. In summary, the currently available evidence indicates that the variant is pathogenic, but additional data are needed to prove that conclusively. Therefore, this variant has been classified as Likely Pathogenic.

Baylor Genetics
Classification: Pathogenic for Glucose-6-phosphate transport defect. Last evaluated: 2023-09-23. Review status: criteria provided, single submitter. Criteria: ACMG Guidelines, 2015. Collection method: clinical testing. Allele origin: unknown.

Neuberg Centre For Genomic Medicine, NCGM
Classification: Pathogenic for Glucose-6-phosphate transport defect. Last evaluated: 2023-06-22. Review status: criteria provided, single submitter. Criteria: ACMG Guidelines, 2015. Collection method: clinical testing. Allele origin: germline. Inheritance: Autosomal recessive inheritance. Affected: yes.
Comment: The observed missense variant in gene has been reported previously in homozygous or compound heterozygous state in individual(s) affected with Glycogen storage disorders (Kumar et al., 2022). Experimental studies have shown that this missense change affects SLC37A4 function (Chen et al., 2008). This variant is reported with the allele frequency of 0.001% in the gnomAD Exomes. This variant has been reported to the ClinVar database as Uncertain Significance / Likely Pathogenic / Pathogenic. The amino acid Arg at position 300 is changed to a Cys changing protein sequence and it might alter its composition and physico-chemical properties. The amino acid change p.Arg300Cys in SLC37A4 is predicted as conserved by GERP++ and PhyloP across 100 vertebrates. Computational evidence (Polyphen - not available, SIFT - Damaging, and MutationTaster - not available) predict a damaging effect on protein structure and function for this variant. For these reasons, this variant has been classified as Pathogenic.

Myriad Genetics, Inc.
Classification: Likely pathogenic for Glucose-6-phosphate transport defect. Last evaluated: 2021-11-15. Review status: criteria provided, single submitter. Criteria: Myriad Women's Health Autosomal Recessive and X-Linked Classification Criteria (2021). Collection method: clinical testing. Allele origin: unknown.
Comment: NM_001164277.1(SLC37A4):c.898C>T(R300C) is a missense variant classified as likely pathogenic in the context of glycogen storage disease type Ib. R300C has been observed in cases with relevant disease (PMID: 27848944, 10482962, Chan_2021_(no PMID; article), Bindi_2021_(no PMID; article)). Functional assessments of this variant are available in the literature (PMID: 18835800, 12444104). R300C has been observed in population frequency databases (gnomAD: FIN 0.005%). In summary, NM_001164277.1(SLC37A4):c.898C>T(R300C) is a missense variant that has functional support for pathogenicity and has been observed more frequently in cases with the relevant disease than in healthy populations. Please note: this variant was assessed in the context of healthy population screening.

Centre for Human Genetics
Classification: Likely pathogenic for Glucose-6-phosphate transport defect. Last evaluated: 2020-06-23. Review status: criteria provided, single submitter. Criteria: ACMG Guidelines, 2015. Collection method: clinical testing. Allele origin: inherited. Inheritance: Autosomal recessive inheritance. Affected: yes. Observed: 1 variant allele.
Comment: disease causing

CeGaT Center for Human Genetics Tuebingen
Classification: Pathogenic. Last evaluated: 2020-01-01. Review status: criteria provided, single submitter. Criteria: CeGaT Center For Human Genetics Tuebingen Variant Classification Criteria Version 2. Collection method: clinical testing. Allele origin: germline. Affected: yes. Observed: 3 variant alleles.

Kasturba Medical College, Manipal, Kasturba Medical College, Manipal, Manipal Academy of Higher Education, Manipal, India
Classification: Pathogenic for Glucose-6-phosphate transport defect. Review status: criteria provided, single submitter. Criteria: ACMG Guidelines, 2015. Collection method: clinical testing. Allele origin: biparental. Affected: yes.

UniProtKB/Swiss-Prot
No classification provided. Review status: no classification provided. Collection method: not provided. Allele origin: germline. Not counted in ClinVar's aggregate classification.

Literature cited by the submitters: PubMed 27848944 (cited by 3 submitters); PubMed 10482962 (cited by 3 submitters); PubMed 38605407 (cited by Natera, Inc.); PubMed 38531056 (cited by Natera, Inc.); PubMed 40009380 (cited by Natera, Inc.); PubMed 12444104 (cited by 3 submitters); PubMed 35834487 (cited by Labcorp Genetics (formerly Invitae), Labcorp); PubMed 18835800 (cited by Labcorp Genetics (formerly Invitae), Labcorp and Myriad Genetics, Inc.); PubMed 9781688 (cited by Labcorp Genetics (formerly Invitae), Labcorp); PubMed 10940311 (cited by Labcorp Genetics (formerly Invitae), Labcorp); PubMed 15906092 (cited by Labcorp Genetics (formerly Invitae), Labcorp); DOI 10.1038/sj.ejhg.5200366 (cited by Kasturba Medical College, Manipal, Kasturba Medical College, Manipal, Manipal Academy of Higher Education, Manipal, India).

NM_001164277.2(SLC37A4):c.898C>T (p.Arg300Cys)

Gene: SLC37A4 (solute carrier family 37 member 4; minus strand). Cytogenetic location: 11q23.3.
Variant type: single nucleotide variant.
Coding change: c.898C>T on transcript NM_001164277.2 (MANE Select); coding-DNA position 898, C replaced by T.
Protein change: p.Arg300Cys; replaces arginine 300 with cysteine.
Molecular consequence: missense variant.
Genome position (GRCh38, 1-based): chr11:119,026,053, G>A on the plus strand (C>T on the coding strand, the complement: SLC37A4 is on the minus strand). VCF-style: chr11-119026053-G-A. GRCh37 (hg19) VCF-style: chr11-118896763-G-A.
Other names: c.898C>T, p.Arg300Cys (NM_001164278.2, NM_001164280.2, NM_001467.6); c.679C>T, p.Arg227Cys (NM_001164279.2); short protein forms R300C, R227C.
Identifiers: ClinVar variation 68293 (VCV000068293.57), dbSNP rs193302880, ClinGen allele CA219361.